The following is an entry in ClinVar:

NM_001130438.3(SPTAN1):c.694G>A (p.Glu232Lys)

Gene: SPTAN1 (spectrin alpha, non-erythrocytic 1; plus strand). Cytogenetic location: 9q34.11.
Variant type: single nucleotide variant.
Coding change: c.694G>A on transcript NM_001130438.3 (MANE Select); coding-DNA position 694, G replaced by A.
Protein change: p.Glu232Lys; replaces glutamic acid 232 with lysine.
Molecular consequence: missense variant.
Genome position (GRCh38, 1-based): chr9:128,576,865, G>A. VCF-style: chr9-128576865-G-A. GRCh37 (hg19) VCF-style: chr9-131339144-G-A.
Other names: c.694G>A, p.Glu232Lys (NM_001195532.2, NM_001363759.2, NM_001363765.2 and 5 more transcripts); c.730G>A, p.Glu244Lys (NM_001375312.2, NM_001375318.1); short protein forms E232K, E244K.
Identifiers: ClinVar variation 2749792 (VCV002749792.3), dbSNP rs2541043732, ClinGen allele CA375048098.

ClinVar aggregate classification (germline): Uncertain significance (1 of 4 stars; one submission).

Conditions:
Early-infantile DEE. Also called: Ohtahara syndrome; Early infantile epileptic encephalopathy; Early infantile epileptic encephalopathy with suppression bursts. Identifiers: Orphanet 1934, MedGen C0393706, MONDO:0800491.

gnomAD v4.1: 1 of 1,614,110 alleles (0.000062%); no homozygotes.

Submission:

Labcorp Genetics (formerly Invitae), Labcorp
Classification: Uncertain significance for Early-infantile DEE. Last evaluated: 2023-11-13. Review status: criteria provided, single submitter. Criteria: Invitae Variant Classification Sherloc (09022015). Collection method: clinical testing. Allele origin: germline.
Comment: This sequence change replaces glutamic acid, which is acidic and polar, with lysine, which is basic and polar, at codon 232 of the SPTAN1 protein (p.Glu232Lys). This variant is not present in population databases (gnomAD no frequency). This variant has not been reported in the literature in individuals affected with SPTAN1-related conditions. Advanced modeling of protein sequence and biophysical properties (such as structural, functional, and spatial information, amino acid conservation, physicochemical variation, residue mobility, and thermodynamic stability) has been performed at Invitae for this missense variant, however the output from this modeling did not meet the statistical confidence thresholds required to predict the impact of this variant on SPTAN1 protein function. In summary, the available evidence is currently insufficient to determine the role of this variant in disease. Therefore, it has been classified as a Variant of Uncertain Significance.